The following is an entry in ClinVar:

ClinVar aggregate classification (germline): Uncertain significance. Review status: criteria provided, multiple submitters, no conflicts (2 of 4 stars). 2 submissions from 2 submitters: Uncertain significance (2). Last evaluated 2023-03-29.

Conditions:
Oligodontia-cancer predisposition syndrome. Also called: TOOTH AGENESIS-COLORECTAL CANCER SYNDROME. Identifiers: Orphanet 300576, MedGen C1837750, MONDO:0012075, OMIM 608615. Disease mechanism: loss of function.

Submissions (2):

St. Jude Molecular Pathology, St. Jude Children's Research Hospital
Classification: Uncertain significance for Oligodontia-cancer predisposition syndrome. Last evaluated: 2023-03-29. Review status: criteria provided, single submitter. Criteria: St. Jude Assertion Criteria 2020. Collection method: clinical testing. Allele origin: germline.
Comment: The AXIN2 c.998T>C (p.Leu333Pro) change is absent in gnomAD v2.1.1. The in silico tool REVEL is inconclusive about a pathogenic or benign effect of this variant on protein function, and to our knowledge functional studies have not been performed. To our knowledge, this variant has not been reported in the literature in individuals with oligodontia-cancer predisposition syndrome. In summary, the evidence currently available is insufficient to determine the clinical significance of this variant. It has therefore been classified as of uncertain significance.

Labcorp Genetics (formerly Invitae), Labcorp
Classification: Uncertain significance for Oligodontia-cancer predisposition syndrome. Last evaluated: 2021-10-12. Review status: criteria provided, single submitter. Criteria: Invitae Variant Classification Sherloc (09022015). Collection method: clinical testing. Allele origin: germline.
Comment: This sequence change replaces leucine with proline at codon 333 of the AXIN2 protein (p.Leu333Pro). The leucine residue is highly conserved and there is a moderate physicochemical difference between leucine and proline. This variant is not present in population databases (ExAC no frequency). This variant has not been reported in the literature in individuals affected with AXIN2-related conditions. Algorithms developed to predict the effect of missense changes on protein structure and function are either unavailable or do not agree on the potential impact of this missense change (SIFT: "Tolerated"; PolyPhen-2: "Probably Damaging"; Align-GVGD: "Class C0"). In summary, the available evidence is currently insufficient to determine the role of this variant in disease. Therefore, it has been classified as a Variant of Uncertain Significance.

NM_004655.4(AXIN2):c.998T>C (p.Leu333Pro)

Gene: AXIN2 (axin 2; minus strand). Cytogenetic location: 17q24.1.
Variant type: single nucleotide variant.
Coding change: c.998T>C on transcript NM_004655.4 (MANE Select); coding-DNA position 998, T replaced by C.
Protein change: p.Leu333Pro; replaces leucine 333 with proline.
Molecular consequence: missense variant.
Genome position (GRCh38, 1-based): chr17:65,541,516, A>G on the plus strand (T>C on the coding strand, the complement: AXIN2 is on the minus strand). VCF-style: chr17-65541516-A-G. GRCh37 (hg19) VCF-style: chr17-63537634-A-G.
Other names: c.998T>C, p.Leu333Pro (NM_001363813.1); short protein forms L333P.
Identifiers: ClinVar variation 1524645 (VCV001524645.6), dbSNP rs2144500450, ClinGen allele CA400679305.